The following is an entry in ClinVar:

ClinVar aggregate classification (germline): Uncertain significance (1 of 4 stars; one submission).

Conditions:
Renal cell carcinoma. Identifiers: Orphanet 217071, MedGen C0007134, MeSH D002292, MONDO:0005086, HP:0005584.

Submission:

Labcorp Genetics (formerly Invitae), Labcorp
Classification: Uncertain significance for Renal cell carcinoma. Last evaluated: 2025-08-24. Review status: criteria provided, single submitter. Criteria: Invitae Variant Classification Sherloc (09022015). Collection method: clinical testing. Allele origin: germline.
Comment: This sequence change replaces glutamine, which is neutral and polar, with leucine, which is neutral and non-polar, at codon 524 of the MET protein (p.Gln524Leu). This variant is not present in population databases (gnomAD no frequency). This variant has not been reported in the literature in individuals affected with MET-related conditions. ClinVar contains an entry for this variant (Variation ID: 654397). Invitae Evidence Modeling of protein sequence and biophysical properties (such as structural, functional, and spatial information, amino acid conservation, physicochemical variation, residue mobility, and thermodynamic stability) indicates that this missense variant is not expected to disrupt MET protein function with a negative predictive value of 80%. In summary, the available evidence is currently insufficient to determine the role of this variant in disease. Therefore, it has been classified as a Variant of Uncertain Significance.

NM_000245.4(MET):c.1571A>T (p.Gln524Leu)

Gene: MET (MET proto-oncogene, receptor tyrosine kinase; plus strand). Cytogenetic location: 7q31.2.
Variant type: single nucleotide variant.
Coding change: c.1571A>T on transcript NM_000245.4 (MANE Select); coding-DNA position 1571, A replaced by T.
Protein change: p.Gln524Leu; replaces glutamine 524 with leucine.
Molecular consequence: missense variant.
Genome position (GRCh38, 1-based): chr7:116,740,895, A>T. VCF-style: chr7-116740895-A-T. GRCh37 (hg19) VCF-style: chr7-116380949-A-T.
Other names: c.1571A>T, p.Gln524Leu (NM_001127500.3, NM_001324401.3); c.281A>T, p.Gln94Leu (NM_001324402.2); short protein forms Q524L, Q94L.
Identifiers: ClinVar variation 654397 (VCV000654397.10), dbSNP rs1584923162, ClinGen allele CA368975168.
Genomic context (GRCh38, chr7:116,740,895, plus strand): 5'-ACCCCTTCTCTTCACAGATCACGAAGATCCCATTGAATGGCTTGGGCTGCAGACATTTCC[A>T]GTCCTGCAGTCAATGCCTCTCTGCCCCACCCTTTGTTCAGTGTGGCTGGTGCCACGACAA-3'
Protein context (NP_000236.2, residues 514-534): PLNGLGCRHF[Gln524Leu]SCSQCLSAPP